The following is an entry in ClinVar:

ClinVar aggregate classification (germline): Uncertain significance. Review status: criteria provided, multiple submitters, no conflicts (2 of 4 stars). 2 submissions from 2 submitters: Uncertain significance (2). Last evaluated 2025-11-26.

Conditions:
Epileptic encephalopathy. Identifiers: MedGen C0543888, HP:0200134.

Allele frequency attached by ClinVar (database versions not stated): ExAC 0.00002; gnomAD 0.00001; TOPMed 0.00001; gnomAD exomes 0.00001.
gnomAD v4.1: 22 of 1,589,732 alleles (0.0014%); highest among the groups gnomAD compares: South Asian, 0.0057%; no homozygotes.

Submissions (2):

Ambry Genetics
Classification: Uncertain significance. Last evaluated: 2025-11-26. Review status: criteria provided, single submitter. Criteria: Ambry Variant Classification Scheme 2023. Collection method: clinical testing. Allele origin: germline.

Labcorp Genetics (formerly Invitae), Labcorp
Classification: Uncertain significance for Epileptic encephalopathy. Last evaluated: 2023-10-03. Review status: criteria provided, single submitter. Criteria: Invitae Variant Classification Sherloc (09022015). Collection method: clinical testing. Allele origin: germline.
Comment: This sequence change replaces glycine, which is neutral and non-polar, with arginine, which is basic and polar, at codon 351 of the FASN protein (p.Gly351Arg). The frequency data for this variant in the population databases is considered unreliable, as metrics indicate poor data quality at this position in the gnomAD database. This variant has not been reported in the literature in individuals affected with FASN-related conditions. ClinVar contains an entry for this variant (Variation ID: 849236). An algorithm developed to predict the effect of missense changes on protein structure and function (PolyPhen-2) suggests that this variant is likely to be disruptive. In summary, the available evidence is currently insufficient to determine the role of this variant in disease. Therefore, it has been classified as a Variant of Uncertain Significance.

NM_004104.5(FASN):c.1051G>A (p.Gly351Arg)

Gene: FASN (fatty acid synthase; minus strand). Cytogenetic location: 17q25.3.
Variant type: single nucleotide variant.
Coding change: c.1051G>A on transcript NM_004104.5 (MANE Select); coding-DNA position 1051, G replaced by A.
Protein change: p.Gly351Arg; replaces glycine 351 with arginine.
Molecular consequence: missense variant.
Genome position (GRCh38, 1-based): chr17:82,091,663, C>T on the plus strand (G>A on the coding strand, the complement: FASN is on the minus strand). VCF-style: chr17-82091663-C-T. GRCh37 (hg19) VCF-style: chr17-80049539-C-T.
Other names: short protein forms G351R.
Identifiers: ClinVar variation 849236 (VCV000849236.12), dbSNP rs775308391, ClinGen allele CA8853254.